The following is an entry in ClinVar:

NM_006432.5(NPC2):c.268_284del (p.Pro90fs)

Gene: NPC2 (NPC intracellular cholesterol transporter 2; minus strand). Cytogenetic location: 14q24.3.
Variant type: Deletion.
Coding change: c.268_284del on transcript NM_006432.5 (MANE Select); coding-DNA positions 268 to 284, 17 bases deleted (CCTGATGGTTGTAAGAG).
Protein change: p.Pro90fs; shifts the reading frame from proline 90.
Molecular consequence: frameshift variant.
Genome position (GRCh38, 1-based): chr14:74,484,494-74,484,510, CTCTTACAACCATCAGG deleted on the plus strand (CCTGATGGTTGTAAGAG on the coding strand, the reverse complement: NPC2 is on the minus strand); deleting any 17 consecutive bases within chr14:74,484,494-74,484,513 gives the same sequence; the c. name uses the placement nearest the transcript's 3' end. VCF-style (leftmost placement, unchanged base first): chr14-74484493-ACTCTTACAACCATCAGG-A. GRCh37 (hg19) VCF-style: chr14-74951196-ACTCTTACAACCATCAGG-A.
Other names: c.268_284del, p.Pro90fs (NM_001363688.1, NM_001375440.1); short protein forms P90fs.
Identifiers: ClinVar variation 5013828 (VCV005013828.1).

ClinVar aggregate classification (germline): Pathogenic (1 of 4 stars; one submission).

Conditions:
Niemann-Pick disease, type C2 (NPC2). Identifiers: Orphanet 646, MedGen C1843366, MONDO:0011873, OMIM 607625.

Submission:

Myriad Genetics, Inc.
Classification: Pathogenic for Niemann-Pick disease, type C2. Last evaluated: 2024-11-30. Review status: criteria provided, single submitter. Criteria: Myriad Autosomal Dominant, Autosomal Recessive and X-Linked Classification Criteria (2023). Collection method: clinical testing. Allele origin: unknown.
Comment: NM_006432.3(NPC2):c.268_284del17(P90Wfs*3) is expected to be pathogenic in the context of Niemann-Pick disease type C2. This variant is predicted to lead to an abnormal or absent protein product due to the creation of a premature termination codon in NPC2, a gene where loss-of-function variants are known to be pathogenic. Please note: this variant was assessed in the context of healthy population screening.